The following is an entry in ClinVar:

ClinVar aggregate classification (germline): Uncertain significance (1 of 4 stars; one submission).

Conditions:
Familial thoracic aortic aneurysm and aortic dissection (TAAD). Also called: Thoracic aortic aneurysms and dissections. Identifiers: Orphanet 91387, MedGen C4707243, MONDO:0019625.

Submission:

Labcorp Genetics (formerly Invitae), Labcorp
Classification: Uncertain significance for Familial thoracic aortic aneurysm and aortic dissection. Last evaluated: 2021-09-25. Review status: criteria provided, single submitter. Criteria: Invitae Variant Classification Sherloc (09022015). Collection method: clinical testing. Allele origin: germline.
Comment: In summary, the available evidence is currently insufficient to determine the role of this variant in disease. Therefore, it has been classified as a Variant of Uncertain Significance. Algorithms developed to predict the effect of missense changes on protein structure and function (SIFT, PolyPhen-2, Align-GVGD) all suggest that this variant is likely to be tolerated. This variant has not been reported in the literature in individuals affected with MAT2A-related conditions. This variant is not present in population databases (ExAC no frequency). This sequence change replaces lysine with asparagine at codon 351 of the MAT2A protein (p.Lys351Asn). The lysine residue is moderately conserved and there is a moderate physicochemical difference between lysine and asparagine.

NM_005911.6(MAT2A):c.1053G>T (p.Lys351Asn)

Genes: GGCX (gamma-glutamyl carboxylase; minus strand), MAT2A (methionine adenosyltransferase 2A; plus strand). Cytogenetic location: 2p11.2.
Variant type: single nucleotide variant.
Coding change: c.1053G>T on transcript NM_005911.6 (MANE Select); coding-DNA position 1053, G replaced by T.
Protein change: p.Lys351Asn; replaces lysine 351 with asparagine.
Molecular consequence: missense variant.
Genome position (GRCh38, 1-based): chr2:85,543,002, G>T. VCF-style: chr2-85543002-G-T. GRCh37 (hg19) VCF-style: chr2-85770125-G-T.
Other names: short protein forms K351N.
Identifiers: ClinVar variation 1355385 (VCV001355385.6), dbSNP rs2103919654, ClinGen allele CA347478559.
Genomic context (GRCh38, chr2:85,543,002, plus strand): 5'-CATTTTCCATTATGGTACCTCTCAGAAGAGTGAGAGAGAGCTATTAGAGATTGTGAAGAA[G>T]AATTTCGATCTCCGCCCTGGGGTCATTGTCAGGTAAAGATGGTAAAGCCTGTTGCTAGTC-3'
Protein context (NP_005902.1, residues 341-361): SERELLEIVK[Lys351Asn]NFDLRPGVIV